The following is an entry in ClinVar:

NM_000059.4(BRCA2):c.4901T>C (p.Phe1634Ser)

Gene: BRCA2 (BRCA2 DNA repair associated; plus strand). Cytogenetic location: 13q13.1.
Variant type: single nucleotide variant.
Coding change: c.4901T>C on transcript NM_000059.4 (MANE Select); coding-DNA position 4901, T replaced by C.
Protein change: p.Phe1634Ser; replaces phenylalanine 1634 with serine.
Molecular consequence: missense variant.
Genome position (GRCh38, 1-based): chr13:32,339,256, T>C. VCF-style: chr13-32339256-T-C. GRCh37 (hg19) VCF-style: chr13-32913393-T-C.
Other names: short protein forms F1634S.
Identifiers: ClinVar variation 51738 (VCV000051738.32), dbSNP rs80358715, ClinGen allele CA020983.

ClinVar aggregate classification (germline): Conflicting classifications of pathogenicity. Review status: criteria provided, conflicting classifications (1 of 4 stars). 12 submissions from 12 submitters: Uncertain significance (3); Likely benign (6). 3 of the submissions do not count toward it. Last evaluated 2026-02-02.

Conditions:
Hereditary breast ovarian cancer syndrome. Also called: Hereditary breast and ovarian cancer syndrome; Hereditary breast and ovarian cancer; Hereditary breast and ovarian cancer syndrome (HBOC); Breast and ovarian cancer; Hereditary breast and/or ovarian cancer syndrome; BRCA1- and BRCA2-Associated Hereditary Breast and Ovarian Cancer. Identifiers: Orphanet 145, MedGen C0677776, MeSH D061325, MONDO:0003582. Disease mechanism: loss of function.
Hereditary cancer-predisposing syndrome. Also called: Neoplastic Syndromes, Hereditary; Tumor predisposition; Hereditary neoplastic syndrome; Hereditary Cancer Syndrome. Identifiers: Orphanet 140162, MedGen C0027672, MeSH D009386, MONDO:0015356.
Breast-ovarian cancer, familial, susceptibility to, 2 (BROVCA2). Also called: BRCA2 Hereditary Breast and Ovarian Cancer. Identifiers: Orphanet 145, MedGen C2675520, MONDO:0012933, OMIM 612555. Disease mechanism: loss of function.

Allele frequency attached by ClinVar (database versions not stated): gnomAD exomes 0.00001; TOPMed below 0.00001; gnomAD 0.00001.
gnomAD v4.1: 11 of 1,612,690 alleles (0.00068%); highest among the groups gnomAD compares: African/African-American, 0.0013%; no homozygotes.

Submissions (12):

Labcorp Genetics (formerly Invitae), Labcorp
Classification: Likely benign for Hereditary breast ovarian cancer syndrome. Last evaluated: 2026-02-02. Review status: criteria provided, single submitter. Criteria: Invitae Variant Classification Sherloc (09022015). Collection method: clinical testing. Allele origin: germline.

Molecular Diagnostics Laboratory, Catalan Institute of Oncology
Classification: Likely benign for Hereditary cancer-predisposing syndrome. Last evaluated: 2024-12-19. Review status: criteria provided, single submitter. Criteria: ClinGen BRCA1BRCA2 ACMG Specifications BRCA2 V1.0.0. Collection method: clinical testing. Allele origin: germline.
Comment: BP1_Strong, BP5 c.4901T>C, located in exon 11 of the BRCA2 gene, is predicted to result in the substitution of phenylalanine by serine at codon 1634, p.(Phe1634Ser). This position is outside a (potentially) clinically important functional domain and, moreover, the SpliceAI algorithm predicts no significant impact on splicing (BP1_strong). This variant is found in 4/265938 alleles at a frequency of 0.0015% in the gnomAD v2.1.1 database, non-cancer dataset. To our knowledge, no well-stablished functional studies have been reported for this variant. Published clinical data for a multifactorial likelihood analysis (PMID: 31131967) showed a combined LR indicative of supporting evidence towards benign (LR 0.4362), based on co-occurrence (LR 1.0757) and family history (LR 0.4055) (BP5_Supporting). In addition, the variant was also identified in the following databases: BRCA Exchange (Not Yet Reviewed), ClinVar (6x likely benign, 4x uncertain significance) and LOVD (2x likely benign, 2x uncertain significance). Based on the currently available information, c.4901T>C is classified as a likely benign variant according to ClinGen-BRCA2 Guidelines version v1.0.0.

Color Diagnostics, LLC DBA Color Health
Classification: Likely benign for Hereditary cancer-predisposing syndrome. Last evaluated: 2024-08-07. Review status: criteria provided, single submitter. Criteria: ACMG Guidelines, 2015. Collection method: clinical testing. Allele origin: germline.

All of Us Research Program, National Institutes of Health
Classification: Uncertain significance for Breast-ovarian cancer, familial, susceptibility to, 2. Last evaluated: 2023-12-13. Review status: criteria provided, single submitter. Criteria: ACMG Guidelines, 2015. Collection method: clinical testing. Allele origin: germline. Inheritance: Autosomal dominant inheritance. Observed: 2 variant alleles, 2 heterozygotes.
Comment: This missense variant replaces phenylalanine with serine at codon 1634 of the BRCA2 protein. Computational prediction suggests that this variant may not impact protein structure and function (internally defined REVEL score threshold <= 0.5, PMID: 27666373). To our knowledge, functional studies have not been reported for this variant. This variant has been observed in at least two individuals affected with breast cancer (PMID: 26976419; Color internal data). This variant has been identified in 4/280346 chromosomes in the general population by the Genome Aggregation Database (gnomAD). The available evidence is insufficient to determine the role of this variant in disease conclusively. Therefore, this variant is classified as a Variant of Uncertain Significance.

This study involves interpretation of variants in research participants for the purpose of population health screening. Participant phenotype was not available at the time of variant classification. Additional details can be found in publication PMID: 35346344, PMCID: PMC8962531

Myriad Genetics, Inc.
Classification: Likely benign for Breast-ovarian cancer, familial, susceptibility to, 2. Last evaluated: 2023-11-06. Review status: criteria provided, single submitter. Criteria: Myriad Autosomal Dominant, Autosomal Recessive and X-Linked Classification Criteria (2023). Collection method: clinical testing. Allele origin: unknown.
Comment: This variant is considered likely benign. This variant is strongly associated with less severe personal and family histories of cancer, typical for individuals without pathogenic variants in this gene [PMID: 25085752].

University of Washington Department of Laboratory Medicine, University of Washington
Classification: Likely benign for Hereditary cancer-predisposing syndrome. Last evaluated: 2023-03-23. Review status: criteria provided, single submitter. Criteria: Dines et al. (Genet Med. 2020). Collection method: curation. Allele origin: germline.
Comment: Missense variant in a coldspot region where missense variants are very unlikely to be pathogenic (PMID:31911673).

BRCA2 exon 11 coldspot. Reclassification based on statistical prior probability.

Quest Diagnostics Nichols Institute San Juan Capistrano
Classification: Uncertain significance. Last evaluated: 2021-08-20. Review status: criteria provided, single submitter. Criteria: Quest Diagnostics criteria. Collection method: clinical testing. Allele origin: unknown.

Ambry Genetics
Classification: Likely benign for Hereditary cancer-predisposing syndrome. Last evaluated: 2019-01-18. Review status: criteria provided, single submitter. Criteria: Ambry Variant Classification Scheme 2023. Collection method: clinical testing. Allele origin: germline.

GeneDx
Classification: Uncertain significance. Last evaluated: 2018-03-28. Review status: criteria provided, single submitter. Criteria: GeneDx Variant Classification (06012015). Collection method: clinical testing. Allele origin: germline. Affected: yes.
Comment: This variant is denoted BRCA2 c.4901T>C at the cDNA level, p.Phe1634Ser (F1634S) at the protein level, and results in the change of a Phenylalanine to a Serine (TTT>TCT). This variant, also known as 5129T>C using alternate nomenclature, has been reported in at least one individual with breast cancer (Tung 2016). BRCA2 Phe1634Ser was not observed at a significant allele frequency in large population cohorts (Lek 2016). BRCA2 Phe1634Ser is located within the region of interaction with POLH and RAD51 (Roy 2012, Buisson 2014). In-silico analysis, which includes protein predictors and evolutionary conservation, supports that this variant does not alter protein structure/function. Based on currently available information, it is unclear whether BRCA2 Phe1634Ser is pathogenic or benign. We consider it to be a variant of uncertain significance.

Breast Cancer Information Core (BIC) (BRCA2)
Classification: Uncertain significance for Breast-ovarian cancer, familial 2. Last evaluated: 2002-05-29. Review status: no assertion criteria provided. Collection method: clinical testing. Allele origin: germline. Affected: yes. Observed: 2 variant alleles. Not counted in ClinVar's aggregate classification.

Clinical Genetics DNA and cytogenetics Diagnostics Lab, Erasmus MC, Erasmus Medical Center
Classification: Likely benign. Review status: no assertion criteria provided. Collection method: clinical testing. Allele origin: germline. Affected: yes. Study: VKGL Data-share Consensus. Not counted in ClinVar's aggregate classification.

Laboratory of Diagnostic Genome Analysis, Leiden University Medical Center (LUMC)
Classification: Likely benign. Review status: no assertion criteria provided. Collection method: clinical testing. Allele origin: germline. Affected: yes. Study: VKGL Data-share Consensus. Not counted in ClinVar's aggregate classification.

Literature cited by the submitters: PubMed 26976419 (cited by All of Us Research Program, National Institutes of Health and Quest Diagnostics Nichols Institute San Juan Capistrano); PubMed 25085752 (cited by Myriad Genetics, Inc.); PubMed 25348012 (cited by Quest Diagnostics Nichols Institute San Juan Capistrano).